The following is an entry in ClinVar:

NM_001170629.2(CHD8):c.1616T>C (p.Val539Ala)

Gene: CHD8 (chromodomain helicase DNA binding protein 8; minus strand). Cytogenetic location: 14q11.2.
Variant type: single nucleotide variant.
Coding change: c.1616T>C on transcript NM_001170629.2 (MANE Select); coding-DNA position 1616, T replaced by C.
Protein change: p.Val539Ala; replaces valine 539 with alanine.
Molecular consequence: missense variant.
Genome position (GRCh38, 1-based): chr14:21,426,228, A>G on the plus strand (T>C on the coding strand, the complement: CHD8 is on the minus strand). VCF-style: chr14-21426228-A-G. GRCh37 (hg19) VCF-style: chr14-21894387-A-G.
Other names: c.779T>C, p.Val260Ala (NM_020920.4); short protein forms V260A, V539A.
Identifiers: ClinVar variation 1941852 (VCV001941852.5), dbSNP rs2501994469, ClinGen allele CA388881827.

ClinVar aggregate classification (germline): Uncertain significance (1 of 4 stars; one submission).

Allele frequency attached by ClinVar (database versions not stated): gnomAD exomes below 0.00001.
gnomAD v4.1: 1 of 1,592,140 alleles (0.000063%); highest among the groups gnomAD compares: Admixed American, 0.0017%; no homozygotes.

Submission:

Labcorp Genetics (formerly Invitae), Labcorp
Classification: Uncertain significance. Last evaluated: 2023-09-01. Review status: criteria provided, single submitter. Criteria: Invitae Variant Classification Sherloc (09022015). Collection method: clinical testing. Allele origin: germline.
Comment: This sequence change replaces valine, which is neutral and non-polar, with alanine, which is neutral and non-polar, at codon 539 of the CHD8 protein (p.Val539Ala). This variant is not present in population databases (gnomAD no frequency). This variant has not been reported in the literature in individuals affected with CHD8-related conditions. ClinVar contains an entry for this variant (Variation ID: 1941852). Advanced modeling of protein sequence and biophysical properties (such as structural, functional, and spatial information, amino acid conservation, physicochemical variation, residue mobility, and thermodynamic stability) performed at Invitae indicates that this missense variant is not expected to disrupt CHD8 protein function. In summary, the available evidence is currently insufficient to determine the role of this variant in disease. Therefore, it has been classified as a Variant of Uncertain Significance.